The following is an entry in ClinVar:

ClinVar aggregate classification (germline): Uncertain significance (1 of 4 stars; one submission).

Submission:

GeneDx
Classification: Uncertain significance. Last evaluated: 2023-03-25. Review status: criteria provided, single submitter. Criteria: GeneDx Variant Classification Process June 2021. Collection method: clinical testing. Allele origin: germline. Affected: yes.
Comment: Not observed at significant frequency in large population cohorts (gnomAD); In silico analysis supports that this missense variant has a deleterious effect on protein structure/function; Has not been previously published as pathogenic or benign to our knowledge

NM_001205293.3(CACNA1E):c.624G>C (p.Gln208His)

Gene: CACNA1E (calcium voltage-gated channel subunit alpha1 E; plus strand). Cytogenetic location: 1q25.3.
Variant type: single nucleotide variant.
Coding change: c.624G>C on transcript NM_001205293.3 (MANE Select); coding-DNA position 624, G replaced by C.
Protein change: p.Gln208His; replaces glutamine 208 with histidine.
Molecular consequence: missense variant.
Genome position (GRCh38, 1-based): chr1:181,579,079, G>C. VCF-style: chr1-181579079-G-C. GRCh37 (hg19) VCF-style: chr1-181548215-G-C.
Other names: c.624G>C, p.Gln208His (NM_000721.4, NM_001205294.2); short protein forms Q208H.
Identifiers: ClinVar variation 2580669 (VCV002580669.1), dbSNP rs2527316118, ClinGen allele CA343846924.